The following is an entry in ClinVar:

NM_007118.4(TRIO):c.8293_8294del (p.Met2765fs)

Genes: TRIO (trio Rho guanine nucleotide exchange factor; plus strand), LOC126807323 (CDK7 strongly-dependent group 2 enhancer GRCh37_chr5:14497716-14498915; plus strand). Cytogenetic location: 5p15.2.
Variant type: Deletion.
Coding change: c.8293_8294del on transcript NM_007118.4 (MANE Select); coding-DNA positions 8293 to 8294, 2 bases deleted (AT; older notation c.8293_8294delAT).
Protein change: p.Met2765fs; shifts the reading frame from methionine 2765.
Molecular consequence: frameshift variant. On other transcripts: non-coding transcript variant (1).
Genome position (GRCh38, 1-based): chr5:14,498,601-14,498,602, AT deleted. VCF-style (leftmost placement, unchanged base first): chr5-14498600-CAT-C. GRCh37 (hg19) VCF-style: chr5-14498709-CAT-C.
Other names: short protein forms M2765fs.
Identifiers: ClinVar variation 504434 (VCV000504434.2), dbSNP rs1554091578, ClinGen allele CA658796505.

ClinVar aggregate classification (germline): Likely pathogenic (1 of 4 stars; one submission).

Submission:

GeneDx
Classification: Likely pathogenic. Last evaluated: 2018-03-07. Review status: criteria provided, single submitter. Criteria: GeneDx Variant Classification (06012015). Collection method: clinical testing. Allele origin: germline. Affected: yes.
Comment: A variant that is likely pathogenic has been identified in the TRIO gene. The c.8293_8294delAT variant has not been published as a pathogenic variant, nor has it been reported as a benign variant to our knowledge. The c.8293_8294delAT variant causes a frameshift starting with codon Methionine 2765, changes this amino acid to a Glycine residue, and creates a premature Stop codon at position 28 of the new reading frame, denoted p.Met2765GlyfsX28. This variant is predicted to cause loss of normal protein function either through protein truncation or nonsense-mediated mRNA decay. Furthermore, the c.8293_8294delAT variant is not observed in large population cohorts (Lek et al., 2016). Therefore, this variant is likely pathogenic; however, the possibility that it is benign cannot be excluded.